The following is an entry in ClinVar:

NM_023110.3(FGFR1):c.106G>A (p.Ala36Thr)

Gene: FGFR1 (fibroblast growth factor receptor 1; minus strand). Cytogenetic location: 8p11.23.
Variant type: single nucleotide variant.
Coding change: c.106G>A on transcript NM_023110.3 (MANE Select); coding-DNA position 106, G replaced by A.
Protein change: p.Ala36Thr; replaces alanine 36 with threonine.
Molecular consequence: missense variant. On other transcripts: intron variant (5).
Genome position (GRCh38, 1-based): chr8:38,429,934, C>T on the plus strand (G>A on the coding strand, the complement: FGFR1 is on the minus strand). VCF-style: chr8-38429934-C-T. GRCh37 (hg19) VCF-style: chr8-38287452-C-T.
Other names: c.106G>A, p.Ala36Thr (NM_001174063.2, NM_001174065.2, NM_001354367.2 and 2 more transcripts); c.82G>A, p.Ala28Thr (NM_001174064.2); c.205G>A, p.Ala69Thr (NM_001174067.2); c.92-1499G>A (NM_001354368.2, NM_001354370.2, NM_023106.3 and 2 more transcripts); short protein forms A69T, A28T, A36T.
Identifiers: ClinVar variation 1478651 (VCV001478651.8), dbSNP rs2150966948, ClinGen allele CA370736636.

ClinVar aggregate classification (germline): Uncertain significance (1 of 4 stars; one submission).

Conditions:
Pfeiffer syndrome (ACS5). Also called: ACS V. Identifiers: Orphanet 710, MedGen C0220658, MONDO:0007043, OMIM 101600.
Hypogonadotropic hypogonadism 2 with or without anosmia (HH2). Also called: FGFR1-Related GnRH Deficiency (Kallmann Syndrome 2); HYPOGONADOTROPIC HYPOGONADISM 2 WITHOUT ANOSMIA; HYPOGONADOTROPIC HYPOGONADISM 2 WITH OR WITHOUT ANOSMIA, SUSCEPTIBILITY TO; HYPOGONADOTROPIC HYPOGONADISM 2 WITHOUT ANOSMIA, SUSCEPTIBILITY TO. Identifiers: Orphanet 478, MedGen C1563720, MONDO:0007844, OMIM 147950. Disease mechanism: loss of function.

Submission:

Labcorp Genetics (formerly Invitae), Labcorp
Classification: Uncertain significance for Pfeiffer syndrome; Hypogonadotropic hypogonadism 2 with or without anosmia. Last evaluated: 2021-03-28. Review status: criteria provided, single submitter. Criteria: Invitae Variant Classification Sherloc (09022015). Collection method: clinical testing. Allele origin: germline.
Comment: This variant is not present in population databases (ExAC no frequency). This variant has not been reported in the literature in individuals with FGFR1-related conditions. Algorithms developed to predict the effect of missense changes on protein structure and function (SIFT, PolyPhen-2, Align-GVGD) all suggest that this variant is likely to be tolerated, but these predictions have not been confirmed by published functional studies and their clinical significance is uncertain. In summary, the available evidence is currently insufficient to determine the role of this variant in disease. Therefore, it has been classified as a Variant of Uncertain Significance. This sequence change replaces alanine with threonine at codon 36 of the FGFR1 protein (p.Ala36Thr). The alanine residue is weakly conserved and there is a small physicochemical difference between alanine and threonine.